The following is an entry in ClinVar:

NM_000093.5(COL5A1):c.4110A>G (p.Glu1370=)

Gene: COL5A1 (collagen type V alpha 1 chain; plus strand). Cytogenetic location: 9q34.3.
Variant type: single nucleotide variant.
Coding change: c.4110A>G on transcript NM_000093.5 (MANE Select); coding-DNA position 4110, A replaced by G.
Protein change: p.Glu1370=; no amino-acid change (glutamic acid 1370 retained).
Molecular consequence: synonymous variant.
Genome position (GRCh38, 1-based): chr9:134,815,976, A>G. VCF-style: chr9-134815976-A-G. GRCh37 (hg19) VCF-style: chr9-137707822-A-G.
Other names: c.4110A>G, p.Glu1370= (NM_001278074.1).
Identifiers: ClinVar variation 863523 (VCV000863523.11), dbSNP rs1588583076, ClinGen allele CA467663732.

ClinVar aggregate classification (germline): Uncertain significance (1 of 4 stars; one submission).

Conditions:
Ehlers-Danlos syndrome, classic type, 1 (EDSCL1). Also called: Ehlers-Danlos syndrome, type 1; Ehlers-Danlos Syndrome, Classic Type, COL5A1-Related; EDS I; EHLERS-DANLOS SYNDROME, GRAVIS TYPE; EHLERS-DANLOS SYNDROME, SEVERE CLASSIC TYPE. Identifiers: MedGen C0268335, MONDO:0019567, OMIM 130000.

Submission:

Labcorp Genetics (formerly Invitae), Labcorp
Classification: Uncertain significance for Ehlers-Danlos syndrome, classic type, 1. Last evaluated: 2019-03-08. Review status: criteria provided, single submitter. Criteria: Invitae Variant Classification Sherloc (09022015). Collection method: clinical testing. Allele origin: germline.
Comment: In summary, the available evidence is currently insufficient to determine the role of this variant in disease. Therefore, it has been classified as a Variant of Uncertain Significance. Algorithms developed to predict the effect of sequence changes on RNA splicing suggest that this variant may create or strengthen a splice site, but this prediction has not been confirmed by published transcriptional studies. This variant has not been reported in the literature in individuals with COL5A1-related conditions. This variant is not present in population databases (ExAC no frequency). This sequence change affects codon 1370 of the COL5A1 mRNA. It is a 'silent' change, meaning that it does not change the encoded amino acid sequence of the COL5A1 protein.